The following is an entry in ClinVar:

GRCh38/hg38 15q11.2(chr15:22600363-23120182)

Genes: CYFIP1 (cytoplasmic FMR1 interacting protein 1; minus strand), GOLGA6L1 (golgin A6 family like 1; minus strand), GOLGA6L22 (golgin A6 family like 22; plus strand), GOLGA6L26 (golgin A6 family like 26; minus strand), GOLGA8S (golgin A8 family member S; plus strand) and 21 more. Cytogenetic location: 15q11.2.
Variant type: copy number loss.
Identifiers: ClinVar variation 3235943 (VCV003235943.1).

ClinVar aggregate classification (germline): Pathogenic (1 of 4 stars; one submission).

Conditions:
Chromosome 15q11.2 deletion syndrome. Identifiers: Orphanet 261183, MedGen C3180937, MONDO:0014294, OMIM 615656.

Submission:

New York Genome Center
Classification: Pathogenic for Chromosome 15q11.2 deletion syndrome. Last evaluated: 2022-02-01. Review status: criteria provided, single submitter. Criteria: NYGC Assertion Criteria 2020. Collection method: clinical testing. Allele origin: de novo. Observed: 1 variant allele. Study: PrenatalSEQ.
Comment: This proximal 15q11.2 region harbors a cluster of low copy repeats that lead to recurrent copy number changes in this region. Deletions in this region are associated with 15q11.2 BP1-BP2 recurrent deletion syndrome. The 15q11.2 BP1-BP2 microdeletion is associated with both phenotypic variability as well as reduced penetrance, and while it is enriched in patient populations (PMID:25689425, 28387067), it is also often inherited from asymptomatic parents (PMID:21841781, 23258348, 25689425).